The following is an entry in ClinVar:

NM_004104.5(FASN):c.2683G>C (p.Val895Leu)

Gene: FASN (fatty acid synthase; minus strand). Cytogenetic location: 17q25.3.
Variant type: single nucleotide variant.
Coding change: c.2683G>C on transcript NM_004104.5 (MANE Select); coding-DNA position 2683, G replaced by C.
Protein change: p.Val895Leu; replaces valine 895 with leucine.
Molecular consequence: missense variant.
Genome position (GRCh38, 1-based): chr17:82,088,218, C>G on the plus strand (G>C on the coding strand, the complement: FASN is on the minus strand). VCF-style: chr17-82088218-C-G. GRCh37 (hg19) VCF-style: chr17-80046094-C-G.
Other names: c.2683G>C (NM_004104.4); short protein forms V895L.
Identifiers: ClinVar variation 1409943 (VCV001409943.9), dbSNP rs376331574, ClinGen allele CA8852685.

ClinVar aggregate classification (germline): Uncertain significance. Review status: criteria provided, multiple submitters, no conflicts (2 of 4 stars). 2 submissions from 2 submitters: Uncertain significance (2). Last evaluated 2023-10-05.

Conditions:
Epileptic encephalopathy. Identifiers: MedGen C0543888, HP:0200134.

Allele frequency attached by ClinVar (database versions not stated): TOPMed below 0.00001; ESP Exome Variant Server 0.00008.
gnomAD v4.1: 26 of 1,611,634 alleles (0.0016%); highest among the groups gnomAD compares: Non-Finnish European, 0.0021%; no homozygotes.

Submissions (2):

Labcorp Genetics (formerly Invitae), Labcorp
Classification: Uncertain significance for Epileptic encephalopathy. Last evaluated: 2023-10-05. Review status: criteria provided, single submitter. Criteria: Invitae Variant Classification Sherloc (09022015). Collection method: clinical testing. Allele origin: germline.
Comment: This sequence change replaces valine, which is neutral and non-polar, with leucine, which is neutral and non-polar, at codon 895 of the FASN protein (p.Val895Leu). This variant is present in population databases (rs376331574, gnomAD 0.0009%). This variant has not been reported in the literature in individuals affected with FASN-related conditions. ClinVar contains an entry for this variant (Variation ID: 1409943). An algorithm developed to predict the effect of missense changes on protein structure and function (PolyPhen-2) suggests that this variant is likely to be tolerated. In summary, the available evidence is currently insufficient to determine the role of this variant in disease. Therefore, it has been classified as a Variant of Uncertain Significance.

Ambry Genetics
Classification: Uncertain significance. Last evaluated: 2023-04-07. Review status: criteria provided, single submitter. Criteria: Ambry Variant Classification Scheme 2023. Collection method: clinical testing. Allele origin: germline.